The following is an entry in ClinVar:

NM_001367624.2(ZNF469):c.9583C>T (p.Arg3195Cys)

Gene: ZNF469 (zinc finger protein 469; plus strand). Cytogenetic location: 16q24.2.
Variant type: single nucleotide variant.
Coding change: c.9583C>T on transcript NM_001367624.2 (MANE Select); coding-DNA position 9583, C replaced by T.
Protein change: p.Arg3195Cys; replaces arginine 3195 with cysteine.
Molecular consequence: missense variant.
Genome position (GRCh38, 1-based): chr16:88,437,053, C>T. VCF-style: chr16-88437053-C-T. GRCh37 (hg19) VCF-style: chr16-88503461-C-T.
Other names: NM_001127464.2:c.9499C>T; short protein forms R3195C.
Identifiers: ClinVar variation 1702162 (VCV001702162.6), dbSNP rs774273165, ClinGen allele CA8225438.

ClinVar aggregate classification (germline): Uncertain significance. Review status: criteria provided, multiple submitters, no conflicts (2 of 4 stars). 3 submissions from 3 submitters: Uncertain significance (3). Last evaluated 2025-01-07.

Conditions:
Ehlers-Danlos syndrome (EDS). Identifiers: Orphanet 98249, MedGen C0013720, MONDO:0020066.
Brittle cornea syndrome 1 (BCS1). Also called: CORNEAL FRAGILITY, KERATOGLOBUS, BLUE SCLERAE, JOINT HYPEREXTENSIBILITY; EDS6B; FRAGILITAS OCULI WITH JOINT HYPEREXTENSIBILITY; Corneal fragility keratoglobus, blue sclerae AND joint hypermobility; DYSGENESIS MESODERMALIS CORNEAE ET SCLERAE. Identifiers: Orphanet 90354, MedGen C0268344, MONDO:0024543, OMIM 229200.

Allele frequency attached by ClinVar (database versions not stated): gnomAD exomes 0.00007 and 0.00009; gnomAD 0.00011.
gnomAD v4.1: 109 of 1,537,126 alleles (0.0071%); highest among the groups gnomAD compares: Non-Finnish European, 0.0012%; no homozygotes.

Submissions (3):

Women's Health and Genetics/Laboratory Corporation of America, LabCorp
Classification: Uncertain significance. Last evaluated: 2025-01-07. Review status: criteria provided, single submitter. Criteria: LabCorp Variant Classification Summary - May 2015. Collection method: clinical testing. Allele origin: germline.
Comment: Variant summary: ZNF469 c.9583C>T (p.Arg3195Cys) results in a non-conservative amino acid change in the encoded protein sequence. Three of four in-silico tools predict a damaging effect of the variant on protein function. The variant allele was found at a frequency of 9.1e-05 in 131928 control chromosomes (gnomAD). This frequency is not significantly higher than estimated for a pathogenic variant in ZNF469 causing Brittle cornea syndrome 1, allowing no conclusion about variant significance. To our knowledge, no occurrence of c.9583C>T in individuals affected with Brittle cornea syndrome 1 and no experimental evidence demonstrating its impact on protein function have been reported. ClinVar contains an entry for this variant (Variation ID: 1702162). Based on the evidence outlined above, the variant was classified as uncertain significance.

Department of Pathology and Laboratory Medicine, Sinai Health System
Classification: Uncertain significance for Brittle cornea syndrome 1. Last evaluated: 2022-06-09. Review status: criteria provided, single submitter. Criteria: ACMG Guidelines, 2015. Collection method: research. Allele origin: germline.

Genome Diagnostics Laboratory, The Hospital for Sick Children
Classification: Uncertain significance for Ehlers-Danlos syndrome. Last evaluated: 2021-12-24. Review status: criteria provided, single submitter. Criteria: ACMG Guidelines, 2015. Collection method: clinical testing. Allele origin: germline.